The following is an entry in ClinVar:

ClinVar aggregate classification (germline): Uncertain significance. Review status: criteria provided, multiple submitters, no conflicts (2 of 4 stars). 3 submissions from 3 submitters: Uncertain significance (3). Last evaluated 2025-11-03.

Conditions:
APC-Associated Polyposis Disorders.
Hereditary cancer-predisposing syndrome. Also called: Hereditary neoplastic syndrome; Hereditary Cancer Syndrome; Neoplastic Syndromes, Hereditary; Tumor predisposition. Identifiers: Orphanet 140162, MedGen C0027672, MeSH D009386, MONDO:0015356.
Familial adenomatous polyposis 1 (FAP1). Also called: FAMILIAL ADENOMATOUS POLYPOSIS 1, ATTENUATED; POLYPOSIS, ADENOMATOUS INTESTINAL. Identifiers: MedGen C2713442, MONDO:0021056, OMIM 175100. Disease mechanism: loss of function.

Allele frequency attached by ClinVar (database versions not stated): gnomAD exomes below 0.00001; ExAC 0.00001.

Submissions (3):

Labcorp Genetics (formerly Invitae), Labcorp
Classification: Uncertain significance for Familial adenomatous polyposis 1. Last evaluated: 2025-11-03. Review status: criteria provided, single submitter. Criteria: Invitae Variant Classification Sherloc (09022015). Collection method: clinical testing. Allele origin: germline.
Comment: This sequence change replaces glutamic acid, which is acidic and polar, with glutamine, which is neutral and polar, at codon 258 of the APC protein (p.Glu258Gln). This variant is present in population databases (rs774604680, gnomAD 0.006%). This missense change has been observed in individual(s) with biliary tract cancer (PMID: 36243179). ClinVar contains an entry for this variant (Variation ID: 229684). Invitae Evidence Modeling of protein sequence and biophysical properties (such as structural, functional, and spatial information, amino acid conservation, physicochemical variation, residue mobility, and thermodynamic stability) indicates that this missense variant is not expected to disrupt APC protein function with a negative predictive value of 95%. In summary, the available evidence is currently insufficient to determine the role of this variant in disease. Therefore, it has been classified as a Variant of Uncertain Significance.

Ambry Genetics
Classification: Uncertain significance for Hereditary cancer-predisposing syndrome. Last evaluated: 2024-06-03. Review status: criteria provided, single submitter. Criteria: Ambry Variant Classification Scheme 2023. Collection method: clinical testing. Allele origin: germline.
Comment: The p.E258Q variant (also known as c.772G>C), located in coding exon 7 of the APC gene, results from a G to C substitution at nucleotide position 772. The glutamic acid at codon 258 is replaced by glutamine, an amino acid with highly similar properties. This amino acid position is highly conserved in available vertebrate species. In addition, in silico predictors for this gene do not accurately predict pathogenicity. Missense alterations in APC are not a common cause of disease (Spier I et al. Genet Med. 2024 Feb;26(2):100992). Since supporting evidence is limited at this time, the clinical significance of this alteration remains unclear.

Illumina Laboratory Services, Illumina
Classification: Uncertain significance for APC-Associated Polyposis Disorders. Last evaluated: 2017-04-28. Review status: criteria provided, single submitter. Criteria: ICSL Variant Classification Criteria 13 December 2019. Collection method: clinical testing. Allele origin: germline.

Literature cited by the submitters: PubMed 36243179 (cited by Labcorp Genetics (formerly Invitae), Labcorp).

NM_000038.6(APC):c.772G>C (p.Glu258Gln)

Gene: APC (APC regulator of Wnt signaling pathway; plus strand). Cytogenetic location: 5q22.2.
Variant type: single nucleotide variant.
Coding change: c.772G>C on transcript NM_000038.6 (MANE Select); coding-DNA position 772, G replaced by C.
Protein change: p.Glu258Gln; replaces glutamic acid 258 with glutamine.
Molecular consequence: missense variant. On other transcripts: 5 prime UTR variant (1).
Genome position (GRCh38, 1-based): chr5:112,801,321, G>C. VCF-style: chr5-112801321-G-C. GRCh37 (hg19) VCF-style: chr5-112137018-G-C.
Other names: c.772G>C, p.Glu258Gln (NM_001127510.3, NM_001354895.2, NM_001354896.2 and 1 more transcripts); c.718G>C, p.Glu240Gln (NM_001127511.3); c.802G>C, p.Glu268Gln (NM_001354897.2, NM_001354902.2); c.697G>C, p.Glu233Gln (NM_001354898.2, NM_001354904.2); c.688G>C, p.Glu230Gln (NM_001354899.2); c.595G>C, p.Glu199Gln (NM_001354900.2, NM_001354901.2, NM_001354905.2); c.-264G>C (NM_001354906.2); short protein forms E240Q, E258Q, E233Q, E199Q, E230Q, E268Q.
Identifiers: ClinVar variation 229684 (VCV000229684.14), dbSNP rs774604680, ClinGen allele CA049018.